The following is an entry in ClinVar:

ClinVar aggregate classification (germline): Uncertain significance. Review status: criteria provided, multiple submitters, no conflicts (2 of 4 stars). 3 submissions from 3 submitters: Uncertain significance (3). Last evaluated 2025-10-29.

Conditions:
Juvenile polyposis syndrome (JPS). Identifiers: Orphanet 2929, MedGen C0345893, MONDO:0017380, OMIM 174900.
Hereditary cancer-predisposing syndrome. Also called: Hereditary neoplastic syndrome; Neoplastic Syndromes, Hereditary; Tumor predisposition; Hereditary Cancer Syndrome. Identifiers: Orphanet 140162, MedGen C0027672, MeSH D009386, MONDO:0015356.

Allele frequency attached by ClinVar (database versions not stated): gnomAD exomes below 0.00001.
gnomAD v4.1: 1 of 1,614,070 alleles (0.000062%); highest among the groups gnomAD compares: Non-Finnish European, 0.000085%; no homozygotes.

Submissions (3):

Labcorp Genetics (formerly Invitae), Labcorp
Classification: Uncertain significance for Juvenile polyposis syndrome. Last evaluated: 2025-10-29. Review status: criteria provided, single submitter. Criteria: Invitae Variant Classification Sherloc (09022015). Collection method: clinical testing. Allele origin: germline.
Comment: This sequence change replaces leucine, which is neutral and non-polar, with valine, which is neutral and non-polar, at codon 96 of the BMPR1A protein (p.Leu96Val). This variant is not present in population databases (gnomAD no frequency). This variant has not been reported in the literature in individuals affected with BMPR1A-related conditions. ClinVar contains an entry for this variant (Variation ID: 482867). Invitae Evidence Modeling of protein sequence and biophysical properties (such as structural, functional, and spatial information, amino acid conservation, physicochemical variation, residue mobility, and thermodynamic stability) has been performed for this missense variant. However, the output from this modeling did not meet the statistical confidence thresholds required to predict the impact of this variant on BMPR1A protein function. In summary, the available evidence is currently insufficient to determine the role of this variant in disease. Therefore, it has been classified as a Variant of Uncertain Significance.

Ambry Genetics
Classification: Uncertain significance for Hereditary cancer-predisposing syndrome. Last evaluated: 2025-04-19. Review status: criteria provided, single submitter. Criteria: Ambry Variant Classification Scheme 2023. Collection method: clinical testing. Allele origin: germline.
Comment: The p.L96V variant (also known as c.286T>G), located in coding exon 3 of the BMPR1A gene, results from a T to G substitution at nucleotide position 286. The leucine at codon 96 is replaced by valine, an amino acid with highly similar properties. This amino acid position is highly conserved in available vertebrate species. In addition, the in silico prediction for this alteration is inconclusive. Since supporting evidence is limited at this time, the clinical significance of this alteration remains unclear.

Color Diagnostics, LLC DBA Color Health
Classification: Uncertain significance for Hereditary cancer-predisposing syndrome. Last evaluated: 2024-03-06. Review status: criteria provided, single submitter. Criteria: ACMG Guidelines, 2015. Collection method: clinical testing. Allele origin: germline.
Comment: This missense variant replaces leucine with valine at codon 96 of the BMPR1A protein. Computational prediction suggests that this variant may not impact protein structure and function (internally defined REVEL score threshold <= 0.5, PMID: 27666373). To our knowledge, functional studies have not been reported for this variant. This variant has not been reported in individuals affected with BMPR1A-related disorders in the literature. This variant has not been identified in the general population by the Genome Aggregation Database (gnomAD). The available evidence is insufficient to determine the role of this variant in disease conclusively. Therefore, this variant is classified as a Variant of Uncertain Significance.

NM_004329.3(BMPR1A):c.286T>G (p.Leu96Val)

Gene: BMPR1A (bone morphogenetic protein receptor type 1A; plus strand). Cytogenetic location: 10q23.2.
Variant type: single nucleotide variant.
Coding change: c.286T>G on transcript NM_004329.3 (MANE Select); coding-DNA position 286, T replaced by G.
Protein change: p.Leu96Val; replaces leucine 96 with valine.
Molecular consequence: missense variant.
Genome position (GRCh38, 1-based): chr10:86,892,182, T>G. VCF-style: chr10-86892182-T-G. GRCh37 (hg19) VCF-style: chr10-88651939-T-G.
Other names: short protein forms L96V.
Identifiers: ClinVar variation 482867 (VCV000482867.19), dbSNP rs1554888320, ClinGen allele CA377448117.
Genomic context (GRCh38, chr10:86,892,182, plus strand): 5'-TTTAGAACTAATGGACATTGCTTTGCCATCATAGAAGAAGATGACCAGGGAGAAACCACA[T>G]TAGCTTCAGGGTGTATGAAATATGAAGGATCTGATTTTCAGTGCAAAGTAAGATATAATT-3'
Protein context (NP_004320.2, residues 86-106): IEEDDQGETT[Leu96Val]ASGCMKYEGS